The following is an entry in ClinVar:

ClinVar aggregate classification (germline): Likely benign. Review status: criteria provided, single submitter (1 of 4 stars). 2 submissions from 2 submitters: Likely benign (1). 1 of the submissions does not count toward it. Last evaluated 2026-01-16.

Conditions:
ADAMTS10-related disorder. Also called: ADAMTS10-related condition.

Allele frequency attached by ClinVar (database versions not stated): gnomAD exomes 0.00003; ExAC 0.00003; TOPMed 0.00001; gnomAD 0.00001.
gnomAD v4.1: 46 of 1,613,090 alleles (0.0029%); highest among the groups gnomAD compares: Non-Finnish European, 0.0031%; no homozygotes.

Submissions (2):

Labcorp Genetics (formerly Invitae), Labcorp
Classification: Likely benign. Last evaluated: 2026-01-16. Review status: criteria provided, single submitter. Criteria: Invitae Variant Classification Sherloc (09022015). Collection method: clinical testing. Allele origin: germline.

PreventionGenetics, part of Exact Sciences
Classification: Likely benign for ADAMTS10-related condition. Last evaluated: 2019-06-06. Review status: no assertion criteria provided. Collection method: clinical testing. Allele origin: germline. Not counted in ClinVar's aggregate classification.
Comment: This variant is classified as likely benign based on ACMG/AMP sequence variant interpretation guidelines (Richards et al. 2015 PMID: 25741868, with internal and published modifications).

NM_030957.4(ADAMTS10):c.2531-9C>T

Gene: ADAMTS10 (ADAM metallopeptidase with thrombospondin type 1 motif 10; minus strand). Cytogenetic location: 19p13.2.
Variant type: single nucleotide variant.
Coding change: c.2531-9C>T on transcript NM_030957.4 (MANE Select); 9 bases into the intron before coding-DNA position 2531, C replaced by T.
Molecular consequence: intron variant.
Genome position (GRCh38, 1-based): chr19:8,586,260, G>A on the plus strand (C>T on the coding strand, the complement: ADAMTS10 is on the minus strand). VCF-style: chr19-8586260-G-A. GRCh37 (hg19) VCF-style: chr19-8651144-G-A.
Other names: c.992-9C>T (NM_001282352.2); c.2531-9C>T (NM_030957.3).
Identifiers: ClinVar variation 2749797 (VCV002749797.5), dbSNP rs782583269, ClinGen allele CA9160056.